The following is an entry in ClinVar:

ClinVar aggregate classification (germline): Uncertain significance (1 of 4 stars; one submission).

Submission:

Labcorp Genetics (formerly Invitae), Labcorp
Classification: Uncertain significance. Last evaluated: 2020-11-23. Review status: criteria provided, single submitter. Criteria: Invitae Variant Classification Sherloc (09022015). Collection method: clinical testing. Allele origin: germline.
Comment: In summary, the available evidence is currently insufficient to determine the role of this variant in disease. Therefore, it has been classified as a Variant of Uncertain Significance. Algorithms developed to predict the effect of missense changes on protein structure and function (SIFT, PolyPhen-2, Align-GVGD) all suggest that this variant is likely to be disruptive, but these predictions have not been confirmed by published functional studies and their clinical significance is uncertain. This variant has not been reported in the literature in individuals with LRP5-related conditions. This variant is not present in population databases (ExAC no frequency). This sequence change replaces aspartic acid with glutamic acid at codon 1028 of the LRP5 protein (p.Asp1028Glu). The aspartic acid residue is highly conserved and there is a small physicochemical difference between aspartic acid and glutamic acid.

NM_002335.4(LRP5):c.3084C>A (p.Asp1028Glu)

Gene: LRP5 (LDL receptor related protein 5; plus strand). Cytogenetic location: 11q13.2.
Variant type: single nucleotide variant.
Coding change: c.3084C>A on transcript NM_002335.4 (MANE Select); coding-DNA position 3084, C replaced by A.
Protein change: p.Asp1028Glu; replaces aspartic acid 1028 with glutamic acid.
Molecular consequence: missense variant.
Genome position (GRCh38, 1-based): chr11:68,423,545, C>A. VCF-style: chr11-68423545-C-A. GRCh37 (hg19) VCF-style: chr11-68191013-C-A.
Other names: c.1341C>A, p.Asp447Glu (NM_001291902.2); short protein forms D1028E, D447E.
Identifiers: ClinVar variation 1391999 (VCV001391999.8), dbSNP rs2153173017, ClinGen allele CA381620678.